The following is an entry in ClinVar:

ClinVar aggregate classification (germline): Benign/Likely benign. Review status: criteria provided, multiple submitters, no conflicts (2 of 4 stars). 3 submissions from 3 submitters: Benign (1); Likely benign (2). Last evaluated 2025-02-19.

Conditions:
Breast-ovarian cancer, familial, susceptibility to, 3. Also called: RAD51C-Related Breast/Ovarian Cancer. Identifiers: Orphanet 145, MedGen C3150659, MONDO:0013253, OMIM 613399.
Hereditary cancer-predisposing syndrome. Also called: Tumor predisposition; Neoplastic Syndromes, Hereditary; Hereditary Cancer Syndrome; Hereditary neoplastic syndrome. Identifiers: Orphanet 140162, MedGen C0027672, MeSH D009386, MONDO:0015356.
Fanconi anemia complementation group O. Also called: RAD51C-Related Fanconi Anemia. Identifiers: Orphanet 84, MedGen C3150653, MONDO:0013248, OMIM 613390.

gnomAD v4.1: 1 of 1,612,670 alleles (0.000062%); no homozygotes.

Submissions (3):

Myriad Genetics, Inc.
Classification: Benign for Breast-ovarian cancer, familial, susceptibility to, 3. Last evaluated: 2025-02-19. Review status: criteria provided, single submitter. Criteria: Myriad Autosomal Dominant, Autosomal Recessive and X-Linked Classification Criteria (2023). Collection method: clinical testing. Allele origin: unknown.
Comment: This variant is considered benign. This variant is a silent/synonymous amino acid change and it is not expected to impact splicing.

Ambry Genetics
Classification: Likely benign for Hereditary cancer-predisposing syndrome. Last evaluated: 2023-10-28. Review status: criteria provided, single submitter. Criteria: Ambry Variant Classification Scheme 2023. Collection method: clinical testing. Allele origin: germline.

Labcorp Genetics (formerly Invitae), Labcorp
Classification: Likely benign for Fanconi anemia complementation group O. Last evaluated: 2021-09-09. Review status: criteria provided, single submitter. Criteria: Invitae Variant Classification Sherloc (09022015). Collection method: clinical testing. Allele origin: germline.

NM_058216.3(RAD51C):c.780G>T (p.Arg260=)

Gene: RAD51C (RAD51 paralog C; plus strand). Cytogenetic location: 17q22.
Variant type: single nucleotide variant.
Coding change: c.780G>T on transcript NM_058216.3 (MANE Select); coding-DNA position 780, G replaced by T.
Protein change: p.Arg260=; no amino-acid change (arginine 260 retained).
Molecular consequence: synonymous variant. On other transcripts: non-coding transcript variant (1).
Genome position (GRCh38, 1-based): chr17:58,709,933, G>T. VCF-style: chr17-58709933-G-T. GRCh37 (hg19) VCF-style: chr17-56787294-G-T.
Other names: c.780G>T (NM_058216.1).
Identifiers: ClinVar variation 1089195 (VCV001089195.11), dbSNP rs1460932618, ClinGen allele CA501075603.